The following is an entry in ClinVar:

NM_000238.4(KCNH2):c.1696T>G (p.Cys566Gly)

Gene: KCNH2 (potassium voltage-gated channel subfamily H member 2; minus strand). Cytogenetic location: 7q36.1.
Variant type: single nucleotide variant.
Coding change: c.1696T>G on transcript NM_000238.4 (MANE Select); coding-DNA position 1696, T replaced by G.
Protein change: p.Cys566Gly; replaces cysteine 566 with glycine.
Molecular consequence: missense variant.
Genome position (GRCh38, 1-based): chr7:150,951,697, A>C on the plus strand (T>G on the coding strand, the complement: KCNH2 is on the minus strand). VCF-style: chr7-150951697-A-C. GRCh37 (hg19) VCF-style: chr7-150648785-A-C.
Other names: c.1696T>G (LRG_288t1); c.676T>G, p.Cys226Gly (NM_001204798.2, NM_172057.3); c.1408T>G, p.Cys470Gly (NM_001406753.1, NM_001406756.1); c.1519T>G, p.Cys507Gly (NM_001406755.1); c.1396T>G, p.Cys466Gly (NM_001406757.1); c.1696T>G, p.Cys566Gly (NM_172056.3); short protein forms C226G, C566G, C470G, C507G, C466G.
Identifiers: ClinVar variation 67237 (VCV000067237.4), dbSNP rs199473038, ClinGen allele CA005139.

ClinVar aggregate classification (germline): Likely pathogenic. Review status: criteria provided, single submitter (1 of 4 stars). 2 submissions from 2 submitters: Likely pathogenic (1). 1 of the submissions does not count toward it.

Conditions:
Familial long QT syndrome (RWS). Also called: Congenital long QT syndrome; Romano-Ward syndrome; VENTRICULAR FIBRILLATION WITH PROLONGED QT INTERVAL. Identifiers: Orphanet 768, MedGen C1141890, MONDO:0019171.
Long QT syndrome 2 (LQT2). Identifiers: Orphanet 101016, Orphanet 768, MedGen C3150943, MONDO:0013367, OMIM 613688.

Submissions (2):

Petrovsky National Research Centre of Surgery, The Federal Agency for Scientific Organizations
Classification: Likely pathogenic for Long QT syndrome 2. Review status: criteria provided, single submitter. Criteria: ACMG Guidelines, 2015. Collection method: clinical testing. Allele origin: germline. Affected: yes. Observed: 1 variant allele, 1 heterozygote.
Comment: Heterozygous variant NM_000238.4:c.1696T>G p. This variant has been reported in study (PMID: 21499742) in patients with LQTS phenotypes. This variant is absent in The Genome Aggregation Database (gnomAD) v4.1.0 (Date of access 01-06-2026). In accordance with ACMG (2015) criteria this variant is classified as Likely Pathogenic (LP) with following criteria selected: PM1_strong, PM2, PM5, PP3. Additional heterozygous variant NM_199037.5:c.769G>C p.

Cardiovascular Biomedical Research Unit, Royal Brompton & Harefield NHS Foundation Trust
No classification provided. Condition: Familial long QT syndrome. Review status: no classification provided. Collection method: literature only. Allele origin: germline. Not counted in ClinVar's aggregate classification.
Comment: This variant has been reported as associated with Long QT syndrome in the following publications (PMID:21499742). This is a literature report, and does not necessarily reflect the clinical interpretation of the Imperial College / Royal Brompton Cardiovascular Genetics laboratory.

Literature cited by the submitters: PubMed 21499742 (cited by Petrovsky National Research Centre of Surgery, The Federal Agency for Scientific Organizations and Cardiovascular Biomedical Research Unit, Royal Brompton & Harefield NHS Foundation Trust); PubMed 22581653 (cited by Cardiovascular Biomedical Research Unit, Royal Brompton & Harefield NHS Foundation Trust).